The following is an entry in ClinVar:

NM_000465.4(BARD1):c.1556C>T (p.Ser519Phe)

Gene: BARD1 (BRCA1 associated RING domain 1; minus strand). Cytogenetic location: 2q35.
Variant type: single nucleotide variant.
Coding change: c.1556C>T on transcript NM_000465.4 (MANE Select); coding-DNA position 1556, C replaced by T.
Protein change: p.Ser519Phe; replaces serine 519 with phenylalanine.
Molecular consequence: missense variant. On other transcripts: non-coding transcript variant (3), intron variant (3).
Genome position (GRCh38, 1-based): chr2:214,767,494, G>A on the plus strand (C>T on the coding strand, the complement: BARD1 is on the minus strand). VCF-style: chr2-214767494-G-A. GRCh37 (hg19) VCF-style: chr2-215632218-G-A.
Other names: c.1499C>T, p.Ser500Phe (NM_001282543.2); c.159-14939C>T (NM_001282548.2); c.216-14939C>T (NM_001282545.2); c.364+24803C>T (NM_001282549.2); c.1556C>T (NM_000465.2); short protein forms S519F, S500F.
Identifiers: ClinVar variation 406760 (VCV000406760.16), dbSNP rs780106810, ClinGen allele CA16610582.
Genomic context (GRCh38, chr2:214,767,494, plus strand): 5'-AAGAATATAGGTCCATTTTAAAAATAATTTTTACGTTGAACTACTTACACAGCATTTCTG[G>A]AGGCTCCATAGGAAAGTAACAGCTTGACTATATCCACATGCCCATTCTTGGCTGCATCGT-3'
Protein context (NP_000456.2, residues 509-529): IVKLLLSYGA[Ser519Phe]RNAVNIFGLR

ClinVar aggregate classification (germline): Uncertain significance. Review status: criteria provided, multiple submitters, no conflicts (2 of 4 stars). 4 submissions from 4 submitters: Uncertain significance (4). Last evaluated 2026-04-06.

Conditions:
Familial cancer of breast. Also called: BREAST CANCER, FAMILIAL; hereditary breast carcinoma; Hereditary breast cancer. Identifiers: Orphanet 227535, MedGen C0346153, MONDO:0016419, OMIM 114480. Disease mechanism: loss of function.
Hereditary cancer-predisposing syndrome. Also called: Tumor predisposition; Hereditary neoplastic syndrome; Neoplastic Syndromes, Hereditary; Hereditary Cancer Syndrome. Identifiers: Orphanet 140162, MedGen C0027672, MeSH D009386, MONDO:0015356.

Allele frequency attached by ClinVar (database versions not stated): TOPMed below 0.00001.

Submissions (4):

Women's Health and Genetics/Laboratory Corporation of America, LabCorp
Classification: Uncertain significance. Last evaluated: 2026-04-06. Review status: criteria provided, single submitter. Criteria: LabCorp Variant Classification Summary - May 2015. Collection method: clinical testing. Allele origin: germline.
Comment: Variant summary: BARD1 c.1556C>T (p.Ser519Phe) results in a non-conservative amino acid change in the encoded protein sequence. Algorithms developed to predict the effect of missense changes on protein structure and function are either unavailable or do not agree on the potential impact of this missense change. The variant was absent in 251210 control chromosomes. The available data on variant occurrences in the general population are insufficient to allow any conclusion about variant significance. To our knowledge, no occurrence of c.1556C>T in individuals affected with BARD1-related conditions and no experimental evidence demonstrating its impact on protein function have been reported. ClinVar contains an entry for this variant (Variation ID: 406760). Based on the evidence outlined above, the variant was classified as uncertain significance.

Color Diagnostics, LLC DBA Color Health
Classification: Uncertain significance for Hereditary cancer-predisposing syndrome. Last evaluated: 2024-03-07. Review status: criteria provided, single submitter. Criteria: ACMG Guidelines, 2015. Collection method: clinical testing. Allele origin: germline.
Comment: This missense variant replaces serine with phenylalanine at codon 519 of the BARD1 protein. Computational prediction is inconclusive regarding the impact of this variant on protein structure and function (internally defined REVEL score threshold 0.5 < inconclusive < 0.7, PMID: 27666373). To our knowledge, functional studies have not been reported for this variant. This variant has not been reported in individuals affected with hereditary cancer in the literature. This variant has not been identified in the general population by the Genome Aggregation Database (gnomAD). The available evidence is insufficient to determine the role of this variant in disease conclusively. Therefore, this variant is classified as a Variant of Uncertain Significance.

Ambry Genetics
Classification: Uncertain significance for Hereditary cancer-predisposing syndrome. Last evaluated: 2023-04-14. Review status: criteria provided, single submitter. Criteria: Ambry Variant Classification Scheme 2023. Collection method: clinical testing. Allele origin: germline.
Comment: The p.S519F variant (also known as c.1556C>T), located in coding exon 6 of the BARD1 gene, results from a C to T substitution at nucleotide position 1556. The serine at codon 519 is replaced by phenylalanine, an amino acid with highly dissimilar properties. This amino acid position is highly conserved in available vertebrate species. In addition, this alteration is predicted to be deleterious by in silico analysis. Since supporting evidence is limited at this time, the clinical significance of this alteration remains unclear.

Labcorp Genetics (formerly Invitae), Labcorp
Classification: Uncertain significance for Familial cancer of breast. Last evaluated: 2022-09-19. Review status: criteria provided, single submitter. Criteria: Invitae Variant Classification Sherloc (09022015). Collection method: clinical testing. Allele origin: germline.
Comment: This sequence change replaces serine, which is neutral and polar, with phenylalanine, which is neutral and non-polar, at codon 519 of the BARD1 protein (p.Ser519Phe). This variant is not present in population databases (gnomAD no frequency). This variant has not been reported in the literature in individuals affected with BARD1-related conditions. ClinVar contains an entry for this variant (Variation ID: 406760). Algorithms developed to predict the effect of missense changes on protein structure and function (SIFT, PolyPhen-2, Align-GVGD) all suggest that this variant is likely to be disruptive. In summary, the available evidence is currently insufficient to determine the role of this variant in disease. Therefore, it has been classified as a Variant of Uncertain Significance.